The following is an entry in ClinVar:

NM_153700.2(STRC):c.3307-17dup

Gene: STRC (stereocilin; minus strand). Cytogenetic location: 15q15.3.
Variant type: Duplication.
Coding change: c.3307-17dup on transcript NM_153700.2 (MANE Select); 17 bases into the intron before coding-DNA position 3307, one base duplicated (A; older notation c.3307-17dupA).
Molecular consequence: intron variant.
Genome position (GRCh38, 1-based): chr15:43,611,000, T duplicated on the plus strand (A on the coding strand, the reverse complement: STRC is on the minus strand); the first of 2 consecutive T bases (chr15:43,611,000-43,611,001); duplicating either gives the same sequence. VCF-style (leftmost placement, unchanged base first): chr15-43610999-G-GT. GRCh37 (hg19) VCF-style: chr15-43903197-G-GT.
Other names: c.3307-16_3307-15insA (NM_153700.2); c.3307-16dupA (NM_153700.2).
Identifiers: ClinVar variation 165316 (VCV000165316.5), dbSNP rs727503445, ClinGen allele CA178057.

ClinVar aggregate classification (germline): Benign (1 of 4 stars; one submission).

Submission:

Laboratory for Molecular Medicine, Mass General Brigham Personalized Medicine
Classification: Benign. Last evaluated: 2013-09-21. Review status: criteria provided, single submitter. Criteria: LMM Criteria. Collection method: clinical testing. Allele origin: germline. Observed: 9 variant alleles.
Comment: In 20 validation samples, this variant was detected twice by NGS. Sanger confir mation has not been attempted. This variant may represent a sequencing artifac t, given it's presence in a string of "CA" repeats, or it may be a true variant. Given the frequency of this variant during validation, we have classified it a s Benign.